The following is an entry in ClinVar:

NM_001367624.2(ZNF469):c.3046G>A (p.Ala1016Thr)

Gene: ZNF469 (zinc finger protein 469; plus strand). Cytogenetic location: 16q24.2.
Variant type: single nucleotide variant.
Coding change: c.3046G>A on transcript NM_001367624.2 (MANE Select); coding-DNA position 3046, G replaced by A.
Protein change: p.Ala1016Thr; replaces alanine 1016 with threonine.
Molecular consequence: missense variant.
Genome position (GRCh38, 1-based): chr16:88,430,516, G>A. VCF-style: chr16-88430516-G-A. GRCh37 (hg19) VCF-style: chr16-88496924-G-A.
Other names: NM_001127464.1:c.3046G>A; short protein forms A1016T.
Identifiers: ClinVar variation 3195981 (VCV003195981.2), dbSNP rs774526856, ClinGen allele CA397077013.
Genomic context (GRCh38, chr16:88,430,516, plus strand): 5'-CGCCCTAGAACGCAGGCCCCCGGGAGCCGCGCAGACCCCGCGCCCCGGGTCCCGAGAGCC[G>A]CCGCCCTCCCCGAGGAGACCCGCAGCTCCCGGCGCCGCCGGCTGCCCCCCAGGAAGGACC-3'
Protein context (NP_001354553.1, residues 1006-1026): ADPAPRVPRA[Ala1016Thr]ALPEETRSSR

ClinVar aggregate classification (germline): Uncertain significance (1 of 4 stars; one submission).

Conditions:
Cardiovascular phenotype. Identifiers: MedGen CN230736.

Allele frequency attached by ClinVar (database versions not stated): gnomAD 0.00001.
gnomAD v4.1: 91 of 1,429,484 alleles (0.0064%); highest among the groups gnomAD compares: Non-Finnish European, 0.0078%; no homozygotes.

Submission:

Ambry Genetics
Classification: Uncertain significance for Cardiovascular phenotype. Last evaluated: 2024-07-01. Review status: criteria provided, single submitter. Criteria: Ambry Variant Classification Scheme 2023. Collection method: clinical testing. Allele origin: germline.
Comment: The p.A1016T variant (also known as c.3046G>A), located in coding exon 1 of the ZNF469 gene, results from a G to A substitution at nucleotide position 3046. The alanine at codon 1016 is replaced by threonine, an amino acid with similar properties. This amino acid position is conserved. In addition, this alteration is predicted to be tolerated by in silico analysis. Based on the available evidence, the clinical significance of this variant remains unclear.